The following is an entry in ClinVar:

ClinVar aggregate classification (germline): Uncertain significance. Review status: criteria provided, multiple submitters, no conflicts (2 of 4 stars). 2 submissions from 2 submitters: Uncertain significance (2). Last evaluated 2022-12-19.

Allele frequency attached by ClinVar (database versions not stated): TOPMed below 0.00001.

Submissions (2):

Labcorp Genetics (formerly Invitae), Labcorp
Classification: Uncertain significance. Last evaluated: 2022-12-19. Review status: criteria provided, single submitter. Criteria: Invitae Variant Classification Sherloc (09022015). Collection method: clinical testing. Allele origin: germline.
Comment: This sequence change replaces leucine, which is neutral and non-polar, with valine, which is neutral and non-polar, at codon 462 of the CYP7A1 protein (p.Leu462Val). In summary, the available evidence is currently insufficient to determine the role of this variant in disease. Therefore, it has been classified as a Variant of Uncertain Significance. Advanced modeling of protein sequence and biophysical properties (such as structural, functional, and spatial information, amino acid conservation, physicochemical variation, residue mobility, and thermodynamic stability) performed at Invitae indicates that this missense variant is not expected to disrupt CYP7A1 protein function. ClinVar contains an entry for this variant (Variation ID: 502429). This variant has not been reported in the literature in individuals affected with CYP7A1-related conditions. This variant is present in population databases (rs779580378, gnomAD 0.0009%).

Eurofins Ntd Llc (ga)
Classification: Uncertain significance. Last evaluated: 2017-06-07. Review status: criteria provided, single submitter. Criteria: EGL Classification Definitions 2015. Collection method: clinical testing. Allele origin: germline. Observed: 1 variant allele, 1 heterozygote.

NM_000780.4(CYP7A1):c.1384C>G (p.Leu462Val)

Gene: CYP7A1 (cytochrome P450 family 7 subfamily A member 1; minus strand). Cytogenetic location: 8q12.1.
Variant type: single nucleotide variant.
Coding change: c.1384C>G on transcript NM_000780.4 (MANE Select); coding-DNA position 1384, C replaced by G.
Protein change: p.Leu462Val; replaces leucine 462 with valine.
Molecular consequence: missense variant.
Genome position (GRCh38, 1-based): chr8:58,491,606, G>C on the plus strand (C>G on the coding strand, the complement: CYP7A1 is on the minus strand). VCF-style: chr8-58491606-G-C. GRCh37 (hg19) VCF-style: chr8-59404165-G-C.
Other names: short protein forms L462V.
Identifiers: ClinVar variation 502429 (VCV000502429.8), dbSNP rs779580378, ClinGen allele CA4756551.
Genomic context (GRCh38, chr8:58,491,606, plus strand): 5'-ACTGGTCCAAAGGTGGACATTTAGCTTGGCCCTCTATAAGCTCCAATTCAAAATAAGAAA[G>C]CATCAGAATCAAAAATTGCTTGATTTCGTGGATAGCGAACAATCTTCCAGGACATATTGT-3'
Protein context (NP_000771.2, residues 452-472): HEIKQFLILM[Leu462Val]SYFELELIEG